The following is an entry in ClinVar:

NM_001372.4(DNAH9):c.11982A>G (p.Pro3994=)

Gene: DNAH9 (dynein axonemal heavy chain 9; plus strand). Cytogenetic location: 17p12.
Variant type: single nucleotide variant.
Coding change: c.11982A>G on transcript NM_001372.4 (MANE Select); coding-DNA position 11982, A replaced by G.
Protein change: p.Pro3994=; no amino-acid change (proline 3994 retained).
Molecular consequence: synonymous variant.
Genome position (GRCh38, 1-based): chr17:11,929,970, A>G. VCF-style: chr17-11929970-A-G. GRCh37 (hg19) VCF-style: chr17-11833287-A-G.
Other names: p.Pro3994=; c.918A>G, p.Pro306= (NM_004662.2).
Identifiers: ClinVar variation 402784 (VCV000402784.18), dbSNP rs2286303, ClinGen allele CA8398019.
Genomic context (GRCh38, chr17:11,929,970, plus strand): 5'-GCTGGAGGAGCACAGTGAGAACAGCCACCCAGAGTTCAGGGTCTTCATGAGTGCAGAGCC[A>G]GCACCCTCCCCTGAGGGCCACATCATCCCCCAGGGCATCCTGGAGAACTCCATTAAGATC-3'
Protein context (NP_001363.2, residues 3984-4004): PEFRVFMSAE[Pro3994=]APSPEGHIIP

ClinVar aggregate classification (germline): Benign. Review status: criteria provided, multiple submitters, no conflicts (2 of 4 stars). 6 submissions from 6 submitters: Benign (6). Last evaluated 2026-02-04.

Allele frequency attached by ClinVar (database versions not stated): 1000 Genomes Project 30x 0.22111; 1000 Genomes Project 0.22244; TOPMed 0.24002; gnomAD 0.25123 and 0.25485; ESP Exome Variant Server 0.25750; gnomAD exomes 0.28540; ExAC 0.28966.
gnomAD v4.1: 491,223 of 1,613,536 alleles (30%); highest among the groups gnomAD compares: Middle Eastern, 34%; 77,602 homozygotes.

Submissions (6):

Labcorp Genetics (formerly Invitae), Labcorp
Classification: Benign. Last evaluated: 2026-02-04. Review status: criteria provided, single submitter. Criteria: Invitae Variant Classification Sherloc (09022015). Collection method: clinical testing. Allele origin: germline.

Blueprint Genetics
Classification: Benign. Last evaluated: 2024-11-28. Review status: criteria provided, single submitter. Criteria: ACMG Guidelines, 2015. Collection method: clinical testing. Allele origin: germline.

Mayo Clinic Laboratories, Mayo Clinic
Classification: Benign. Last evaluated: 2022-04-26. Review status: criteria provided, single submitter. Criteria: ACMG Guidelines, 2015. Collection method: clinical testing. Allele origin: germline. Observed: 106 variant alleles.

GeneDx
Classification: Benign. Last evaluated: 2021-05-04. Review status: criteria provided, single submitter. Criteria: GeneDx Variant Classification Process June 2021. Collection method: clinical testing. Allele origin: germline. Affected: yes.

Laboratory for Molecular Medicine, Mass General Brigham Personalized Medicine
Classification: Benign. Last evaluated: 2016-03-28. Review status: criteria provided, single submitter. Criteria: LMM Criteria. Collection method: clinical testing. Allele origin: germline.
Comment: Variant identified in a genome or exome case(s) and assessed due to predicted null impact of the variant or pathogenic assertions in the literature or databases. Disclaimer: This variant has not undergone full assessment. The following are preliminary notes: MAF

Breakthrough Genomics
Classification: Benign. Review status: criteria provided, single submitter. Criteria: ACMG Guidelines, 2015. Collection method: not provided. Allele origin: germline. Inheritance: Autosomal recessive inheritance. Affected: yes.